The following is an entry in ClinVar:

ClinVar aggregate classification (germline): Uncertain significance (1 of 4 stars; one submission).

Submission:

Labcorp Genetics (formerly Invitae), Labcorp
Classification: Uncertain significance. Last evaluated: 2022-10-29. Review status: criteria provided, single submitter. Criteria: Invitae Variant Classification Sherloc (09022015). Collection method: clinical testing. Allele origin: germline.
Comment: In summary, the available evidence is currently insufficient to determine the role of this variant in disease. Therefore, it has been classified as a Variant of Uncertain Significance. Algorithms developed to predict the effect of missense changes on protein structure and function (SIFT, PolyPhen-2, Align-GVGD) all suggest that this variant is likely to be disruptive. This variant has not been reported in the literature in individuals affected with RP2-related conditions. This variant is not present in population databases (gnomAD no frequency). This sequence change replaces glycine, which is neutral and non-polar, with arginine, which is basic and polar, at codon 94 of the RP2 protein (p.Gly94Arg).

NM_006915.3(RP2):c.280G>A (p.Gly94Arg)

Gene: RP2 (RP2 activator of ARL3 GTPase; plus strand). Cytogenetic location: Xp11.3.
Variant type: single nucleotide variant.
Coding change: c.280G>A on transcript NM_006915.3 (MANE Select); coding-DNA position 280, G replaced by A.
Protein change: p.Gly94Arg; replaces glycine 94 with arginine.
Molecular consequence: missense variant.
Genome position (GRCh38, 1-based): chrX:46,853,653, G>A. VCF-style: chrX-46853653-G-A. GRCh37 (hg19) VCF-style: chrX-46713088-G-A.
Other names: short protein forms G94R.
Identifiers: ClinVar variation 2810624 (VCV002810624.3), dbSNP rs2147081248, ClinGen allele CA413039183.